The following is an entry in ClinVar:

ClinVar aggregate classification (germline): Uncertain significance. Review status: criteria provided, multiple submitters, no conflicts (2 of 4 stars). 3 submissions from 3 submitters: Uncertain significance (3). Last evaluated 2025-08-30.

Conditions:
Spastic paraplegia. Identifiers: MedGen C0037772, HP:0001258.
Inborn genetic diseases. Identifiers: MedGen C0950123, MeSH D030342.

Submissions (3):

Ambry Genetics
Classification: Uncertain significance for Inborn genetic diseases. Last evaluated: 2025-08-30. Review status: criteria provided, single submitter. Criteria: Ambry Variant Classification Scheme 2023. Collection method: clinical testing. Allele origin: germline.

Labcorp Genetics (formerly Invitae), Labcorp
Classification: Uncertain significance for Spastic paraplegia. Last evaluated: 2022-08-09. Review status: criteria provided, single submitter. Criteria: Invitae Variant Classification Sherloc (09022015). Collection method: clinical testing. Allele origin: germline.
Comment: This sequence change replaces alanine, which is neutral and non-polar, with aspartic acid, which is acidic and polar, at codon 687 of the ZFYVE26 protein (p.Ala687Asp). This variant is present in population databases (no rsID available, gnomAD 0.003%). This variant has not been reported in the literature in individuals affected with ZFYVE26-related conditions. ClinVar contains an entry for this variant (Variation ID: 1308413). Algorithms developed to predict the effect of missense changes on protein structure and function are either unavailable or do not agree on the potential impact of this missense change (SIFT: "Deleterious"; PolyPhen-2: "Possibly Damaging"; Align-GVGD: "Class C0"). In summary, the available evidence is currently insufficient to determine the role of this variant in disease. Therefore, it has been classified as a Variant of Uncertain Significance.

GeneDx
Classification: Uncertain significance. Last evaluated: 2019-03-28. Review status: criteria provided, single submitter. Criteria: GeneDx Variant Classification Process June 2021. Collection method: clinical testing. Allele origin: germline. Affected: yes.
Comment: Not observed at a significant frequency in large population cohorts (Lek et al., 2016); In silico analysis, which includes protein predictors and evolutionary conservation, supports that this variant does not alter protein structure/function; Has not been previously published as pathogenic or benign to our knowledge

NM_015346.4(ZFYVE26):c.2060C>A (p.Ala687Asp)

Gene: ZFYVE26 (zinc finger FYVE-type containing 26; minus strand). Cytogenetic location: 14q24.1.
Variant type: single nucleotide variant.
Coding change: c.2060C>A on transcript NM_015346.4 (MANE Select); coding-DNA position 2060, C replaced by A.
Protein change: p.Ala687Asp; replaces alanine 687 with aspartic acid.
Molecular consequence: missense variant.
Genome position (GRCh38, 1-based): chr14:67,798,202, G>T on the plus strand (C>A on the coding strand, the complement: ZFYVE26 is on the minus strand). VCF-style: chr14-67798202-G-T. GRCh37 (hg19) VCF-style: chr14-68264919-G-T.
Other names: short protein forms A687D.
Identifiers: ClinVar variation 1308413 (VCV001308413.4), dbSNP rs1168269050, ClinGen allele CA390175267.